The following is an entry in ClinVar:

ClinVar aggregate classification (germline): Uncertain significance (0 of 4 stars; one submission).

Conditions:
ANLN-related disorder. Also called: ANLN-related condition.

Allele frequency attached by ClinVar (database versions not stated): gnomAD 0.00001; TOPMed 0.00001.
gnomAD v4.1: 3 of 1,612,538 alleles (0.00019%); highest among the groups gnomAD compares: Admixed American, 0.0017%; no homozygotes.

Submission:

PreventionGenetics, part of Exact Sciences
Classification: Uncertain significance for ANLN-related condition. Last evaluated: 2023-12-05. Review status: no assertion criteria provided. Collection method: clinical testing. Allele origin: germline.
Comment: The ANLN c.2528T>C variant is predicted to result in the amino acid substitution p.Met843Thr. To our knowledge, this variant has not been reported in the literature. This variant is reported in 0.011% of alleles in individuals of African descent in gnomAD. At this time, the clinical significance of this variant is uncertain due to the absence of conclusive functional and genetic evidence.

NM_018685.5(ANLN):c.2528T>C (p.Met843Thr)

Gene: ANLN (anillin, actin binding protein; plus strand). Cytogenetic location: 7p14.2.
Variant type: single nucleotide variant.
Coding change: c.2528T>C on transcript NM_018685.5 (MANE Select); coding-DNA position 2528, T replaced by C.
Protein change: p.Met843Thr; replaces methionine 843 with threonine.
Molecular consequence: missense variant.
Genome position (GRCh38, 1-based): chr7:36,423,868, T>C. VCF-style: chr7-36423868-T-C. GRCh37 (hg19) VCF-style: chr7-36463477-T-C.
Other names: c.2417T>C, p.Met806Thr (NM_001284301.3); c.2414T>C, p.Met805Thr (NM_001284302.3); short protein forms M805T, M806T, M843T.
Identifiers: ClinVar variation 3031106 (VCV003031106.2), dbSNP rs1307958239, ClinGen allele CA367214104.
Genomic context (GRCh38, chr7:36,423,868, plus strand): 5'-TTCTTACAGATGCAGCAAATTACTATTACTTAATTATACTAAAAGCAGGAGCTGAAAATA[T>C]GGTAGCCACACCATTAGCAAGTACTTCAAACTCTCTTAACGGTGATGCTCTGACATTCAC-3'
Protein context (NP_061155.2, residues 833-853): LIILKAGAEN[Met843Thr]VATPLASTSN